The following is an entry in ClinVar:

ClinVar aggregate classification (germline): Benign/Likely benign. Review status: criteria provided, multiple submitters, no conflicts (2 of 4 stars). 17 submissions from 14 submitters: Benign (13); Likely benign (1). 3 of the submissions do not count toward it. Last evaluated 2026-02-04.

Conditions:
ABCA4-related disorder. Also called: ABCA4-related condition; ABCA4-related disorders. Identifiers: MedGen CN239167.
Retinal dystrophy. Also called: Inherited retinal dystrophy. Identifiers: Orphanet 71862, MedGen C0854723, MeSH D058499, MONDO:0019118, HP:0000556.
Cone-rod dystrophy 3 (CORD3). Identifiers: Orphanet 1872, MedGen C1858806, MONDO:0011395, OMIM 604116.
Retinitis pigmentosa 19 (RP19). Also called: ABCA4-Related Retinitis Pigmentosa. Identifiers: Orphanet 791, MedGen C1866422, MONDO:0011137, OMIM 601718.
Age related macular degeneration 2. Also called: MACULOPATHY, AGE-RELATED; MACULAR DEGENERATION, SENILE; MACULOPATHY, AGE-RELATED, 2. Identifiers: MedGen C3495438, MONDO:0007932, OMIM 153800.
Severe early-childhood-onset retinal dystrophy (STGD1). Also called: Stargardt macular dystrophy; Juvenile onset macular degeneration; Stargardt disease 1; MACULAR DYSTROPHY WITH FLECKS, TYPE 1; STGD. Identifiers: Orphanet 364055, Orphanet 827, MedGen C1855465, MeSH D000080362, MONDO:0009549, OMIM 248200.

Allele frequency attached by ClinVar (database versions not stated): 1000 Genomes Project 0.16713; TOPMed 0.19498; gnomAD exomes 0.17286 and 0.17912; 1000 Genomes Project 30x 0.17926; gnomAD 0.19365 and 0.19626; ESP Exome Variant Server 0.19968; ExAC 0.17484.
gnomAD v4.1: 290,706 of 1,611,868 alleles (18%); highest among the groups gnomAD compares: African/African-American, 24%; 27,055 homozygotes.

Submissions (17):

Labcorp Genetics (formerly Invitae), Labcorp
Classification: Benign. Last evaluated: 2026-02-04. Review status: criteria provided, single submitter. Criteria: Invitae Variant Classification Sherloc (09022015). Collection method: clinical testing. Allele origin: germline.

Blueprint Genetics
Classification: Benign. Last evaluated: 2024-11-26. Review status: criteria provided, single submitter. Criteria: ACMG Guidelines, 2015. Collection method: clinical testing. Allele origin: germline.

ARUP Laboratories, Molecular Genetics and Genomics, ARUP Laboratories
Classification: Benign. Last evaluated: 2023-11-11. Review status: criteria provided, single submitter. Criteria: ARUP Molecular Germline Variant Investigation Process 2024. Collection method: clinical testing. Allele origin: germline.

Dept Of Ophthalmology, Nagoya University
Classification: Benign for Retinal dystrophy. Last evaluated: 2023-10-01. Review status: criteria provided, single submitter. Criteria: Submitter's publication. Collection method: research. Allele origin: germline. Affected: yes.

Genome-Nilou Lab
Classification: Benign for Severe early-childhood-onset retinal dystrophy. Last evaluated: 2021-07-14. Review status: criteria provided, single submitter. Criteria: ACMG Guidelines, 2015. Collection method: clinical testing. Allele origin: germline. Affected: no.

Genome-Nilou Lab
Classification: Benign for Retinitis pigmentosa 19. Last evaluated: 2021-07-14. Review status: criteria provided, single submitter. Criteria: ACMG Guidelines, 2015. Collection method: clinical testing. Allele origin: germline. Affected: no.

Genome-Nilou Lab
Classification: Benign for Cone-rod dystrophy 3. Last evaluated: 2021-07-14. Review status: criteria provided, single submitter. Criteria: ACMG Guidelines, 2015. Collection method: clinical testing. Allele origin: germline. Affected: no.

Genome-Nilou Lab
Classification: Benign for Age related macular degeneration 2. Last evaluated: 2021-07-14. Review status: criteria provided, single submitter. Criteria: ACMG Guidelines, 2015. Collection method: clinical testing. Allele origin: germline. Affected: no.

Laboratory for Molecular Medicine, Mass General Brigham Personalized Medicine
Classification: Benign. Last evaluated: 2020-06-04. Review status: criteria provided, single submitter. Criteria: LMM Criteria. Collection method: clinical testing. Allele origin: germline. Observed: 2 variant alleles.
Comment: The p.Pro1948Pro variant in ABCA4 is classified as benign because it does not alter an amino acid residue, is not located within the splice consensus site, and has been identified in 17.6% (49636/282614) of total chromosomes by gnomAD. ACMG/AMP Criteria applied: BA1, BP4, BP7.

Illumina Laboratory Services, Illumina
Classification: Benign for ABCA4-Related Disorders. Last evaluated: 2018-01-13. Review status: criteria provided, single submitter. Criteria: ICSL Variant Classification Criteria 13 December 2019. Collection method: clinical testing. Allele origin: germline.
Comment: This variant was observed in the ICSL laboratory as part of a predisposition screen in an ostensibly healthy population. It had not been previously curated by ICSL or reported in the Human Gene Mutation Database (HGMD: prior to June 1st, 2018), and was therefore a candidate for classification through an automated scoring system. Utilizing variant allele frequency, disease prevalence and penetrance estimates, and inheritance mode, an automated score was calculated to assess if this variant is too frequent to cause the disease. Based on the score and internal cut-off values, a variant classified as benign is not then subjected to further curation. The score for this variant resulted in a classification of benign for this disease.

Eurofins Ntd Llc (ga)
Classification: Benign. Last evaluated: 2013-12-27. Review status: criteria provided, single submitter. Criteria: EGL Classification Definitions 2015. Collection method: clinical testing. Allele origin: germline. Observed: 10 variant alleles, 7 heterozygotes, 3 homozygotes.

GeneDx
Classification: Benign. Last evaluated: 2012-10-10. Review status: criteria provided, single submitter. Criteria: GeneDx Variant Classification (06012015). Collection method: clinical testing. Allele origin: germline. Affected: yes.
Comment: This variant is considered likely benign or benign based on one or more of the following criteria: it is a conservative change, it occurs at a poorly conserved position in the protein, it is predicted to be benign by multiple in silico algorithms, and/or has population frequency not consistent with disease.

Breakthrough Genomics
Classification: Likely benign. Review status: criteria provided, single submitter. Criteria: ACMG Guidelines, 2015. Collection method: not provided. Allele origin: germline. Inheritance: Autosomal recessive inheritance. Affected: yes.

PreventionGenetics, part of Exact Sciences
Classification: Benign. Review status: criteria provided, single submitter. Criteria: ACMG Guidelines, 2015. Collection method: clinical testing. Allele origin: germline.

Clinical Genetics DNA and cytogenetics Diagnostics Lab, Erasmus MC, Erasmus Medical Center
Classification: Benign. Review status: no assertion criteria provided. Collection method: clinical testing. Allele origin: germline. Affected: yes. Study: VKGL Data-share Consensus. Not counted in ClinVar's aggregate classification.

Diagnostic Laboratory, Department of Genetics, University Medical Center Groningen
Classification: Benign. Review status: no assertion criteria provided. Collection method: clinical testing. Allele origin: germline. Affected: yes. Study: VKGL Data-share Consensus. Not counted in ClinVar's aggregate classification.

Joint Genome Diagnostic Labs from Nijmegen and Maastricht, Radboudumc and MUMC+
Classification: Benign. Review status: no assertion criteria provided. Collection method: clinical testing. Allele origin: germline. Affected: yes. Study: VKGL Data-share Consensus. Not counted in ClinVar's aggregate classification.

NM_000350.3(ABCA4):c.5844A>G (p.Pro1948=)

Gene: ABCA4 (ATP binding cassette subfamily A member 4; minus strand). Cytogenetic location: 1p22.1.
Variant type: single nucleotide variant.
Coding change: c.5844A>G on transcript NM_000350.3 (MANE Select); coding-DNA position 5844, A replaced by G.
Protein change: p.Pro1948=; no amino-acid change (proline 1948 retained).
Molecular consequence: synonymous variant.
Genome position (GRCh38, 1-based): chr1:94,008,289, T>C on the plus strand (A>G on the coding strand, the complement: ABCA4 is on the minus strand). VCF-style: chr1-94008289-T-C. GRCh37 (hg19) VCF-style: chr1-94473845-T-C.
Other names: p.P1948P:CCA>CCG; c.5622A>G, p.Pro1874= (NM_001425324.1).
Identifiers: ClinVar variation 136234 (VCV000136234.44), dbSNP rs2275029, ClinGen allele CA179690.